The following is an entry in ClinVar:

NM_001110556.2(FLNA):c.1734_1735delinsA (p.Val579fs)

Gene: FLNA (filamin A; minus strand). Cytogenetic location: Xq28.
Variant type: Indel.
Coding change: c.1734_1735delinsA on transcript NM_001110556.2 (MANE Select); coding-DNA positions 1734 to 1735, GG replaced by A.
Protein change: p.Val579fs; shifts the reading frame from valine 579.
Molecular consequence: frameshift variant.
Genome position (GRCh38, 1-based): chrX:154,364,914-154,364,915, CC replaced by T on the plus strand (GG replaced by A on the coding strand, the reverse complement: FLNA is on the minus strand). VCF-style: chrX-154364914-CC-T. GRCh37 (hg19) VCF-style: chrX-153593282-CC-T.
Other names: c.1734_1735delGGinsA (NM_001456.3); c.1734_1735delinsA, p.Val579fs (NM_001456.4); short protein forms V579fs.
Identifiers: ClinVar variation 422551 (VCV000422551.1), dbSNP rs1064795854, ClinGen allele CA16621256.

ClinVar aggregate classification (germline): Likely pathogenic (1 of 4 stars; one submission).

Submission:

GeneDx
Classification: Likely pathogenic. Last evaluated: 2016-10-19. Review status: criteria provided, single submitter. Criteria: GeneDx Variant Classification (06012015). Collection method: clinical testing. Allele origin: germline. Affected: yes.
Comment: Although the c.1734_1735delGGinsA likely pathogenic variant in the FLNA gene has not been reported to our knowledge, this variant causes a shift in reading frame starting at codon Valine 579, changing it to a Tyrosine, and creating a premature stop codon at position 97 of the new reading frame, denoted p.Val579TyrfsX97. This variant is expected to result in either an abnormal, truncated protein product or loss of protein from this allele through nonsense-mediated mRNA decay. Other frameshift variants in the FLNA gene have been reported in HGMD in association with periventricular heterotopia (Stenson et al., 2014), indicating that loss of function is a mechanism of disease. Furthermore, the c.1734_1735delGGinsA variant was not observed in approximately 6,300 individuals of European and African American ancestry in the NHLBI Exome Sequencing Project, indicating it is not a common benign variant in these populations.In summary, c.1734_1735delGGinsA in the FLNA gene is expected to be pathogenic, as loss of function variants in this gene are strongly associated with this phenotype.